The following is an entry in ClinVar:

ClinVar aggregate classification (germline): Uncertain significance. Review status: criteria provided, multiple submitters, no conflicts (2 of 4 stars). 2 submissions from 2 submitters: Uncertain significance (2). Last evaluated 2024-01-02.

Conditions:
Pyogenic arthritis-pyoderma gangrenosum-acne syndrome (PAPA). Also called: FAMILIAL RECURRENT ARTHRITIS; PAPA SYNDROME. Identifiers: Orphanet 69126, MedGen C1858361, MONDO:0011462, OMIM 604416.

Submissions (2):

Labcorp Genetics (formerly Invitae), Labcorp
Classification: Uncertain significance for Pyogenic arthritis-pyoderma gangrenosum-acne syndrome. Last evaluated: 2024-01-02. Review status: criteria provided, single submitter. Criteria: Invitae Variant Classification Sherloc (09022015). Collection method: clinical testing. Allele origin: germline.
Comment: This sequence change replaces leucine, which is neutral and non-polar, with proline, which is neutral and non-polar, at codon 227 of the PSTPIP1 protein (p.Leu227Pro). This variant is not present in population databases (gnomAD no frequency). This variant has not been reported in the literature in individuals affected with PSTPIP1-related conditions. ClinVar contains an entry for this variant (Variation ID: 2497917). Advanced modeling of protein sequence and biophysical properties (such as structural, functional, and spatial information, amino acid conservation, physicochemical variation, residue mobility, and thermodynamic stability) performed at Invitae indicates that this missense variant is expected to disrupt PSTPIP1 protein function with a positive predictive value of 80%. In summary, the available evidence is currently insufficient to determine the role of this variant in disease. Therefore, it has been classified as a Variant of Uncertain Significance.

GeneDx
Classification: Uncertain significance. Last evaluated: 2022-10-03. Review status: criteria provided, single submitter. Criteria: GeneDx Variant Classification Process June 2021. Collection method: clinical testing. Allele origin: germline. Affected: yes.
Comment: Not observed at significant frequency in large population cohorts (gnomAD); In silico analysis supports that this missense variant has a deleterious effect on protein structure/function; Has not been previously published as pathogenic or benign to our knowledge

NM_003978.5(PSTPIP1):c.680T>C (p.Leu227Pro)

Gene: PSTPIP1 (proline-serine-threonine phosphatase interacting protein 1; plus strand). Cytogenetic location: 15q24.3.
Variant type: single nucleotide variant.
Coding change: c.680T>C on transcript NM_003978.5 (MANE Select); coding-DNA position 680, T replaced by C.
Protein change: p.Leu227Pro; replaces leucine 227 with proline.
Molecular consequence: missense variant. On other transcripts: non-coding transcript variant (1).
Genome position (GRCh38, 1-based): chr15:77,031,217, T>C. VCF-style: chr15-77031217-T-C. GRCh37 (hg19) VCF-style: chr15-77323558-T-C.
Other names: c.680T>C, p.Leu227Pro (NM_001321135.2, NM_001411086.1); c.653T>C, p.Leu218Pro (NM_001321136.2); c.875T>C, p.Leu292Pro (NM_001321137.1); short protein forms L218P, L227P, L292P.
Identifiers: ClinVar variation 2497917 (VCV002497917.4), dbSNP rs2542849156, ClinGen allele CA393520885.
Genomic context (GRCh38, chr15:77,031,217, plus strand): 5'-CACCTCCCTCCCACTGCCCCCAGGCCTTTCAGCTGCAAGAGTTTGACCGGCTGACCATTC[T>C]CCGCAACGCCCTGTGGGTGCACAGCAACCAGCTCTCCATGCAGTGTGTCAAGGATGATGA-3'
Protein context (NP_003969.2, residues 217-237): QLQEFDRLTI[Leu227Pro]RNALWVHSNQ